The following is an entry in ClinVar:

ClinVar aggregate classification (germline): Uncertain significance (1 of 4 stars; one submission).

gnomAD v4.1: 2 of 1,611,512 alleles (0.00012%); no homozygotes.

Submission:

Labcorp Genetics (formerly Invitae), Labcorp
Classification: Uncertain significance. Last evaluated: 2024-12-29. Review status: criteria provided, single submitter. Criteria: Invitae Variant Classification Sherloc (09022015). Collection method: clinical testing. Allele origin: germline.
Comment: This sequence change falls in intron 17 of the ITPR1 gene. It does not directly change the encoded amino acid sequence of the ITPR1 protein. It affects a nucleotide within the consensus splice site. This variant is not present in population databases (gnomAD no frequency). This variant has not been reported in the literature in individuals affected with ITPR1-related conditions. Variants that disrupt the consensus splice site are a relatively common cause of aberrant splicing (PMID: 17576681, 9536098). Algorithms developed to predict the effect of sequence changes on RNA splicing suggest that this variant is not likely to affect RNA splicing. In summary, the available evidence is currently insufficient to determine the role of this variant in disease. Therefore, it has been classified as a Variant of Uncertain Significance.

Literature cited by the submitters: PubMed 17576681; PubMed 9536098.

NM_001378452.1(ITPR1):c.1886+6G>T

Gene: ITPR1 (inositol 1,4,5-trisphosphate receptor type 1; plus strand). Cytogenetic location: 3p26.1.
Variant type: single nucleotide variant.
Coding change: c.1886+6G>T on transcript NM_001378452.1 (MANE Select); 6 bases into the intron after coding-DNA position 1886, G replaced by T.
Molecular consequence: intron variant.
Genome position (GRCh38, 1-based): chr3:4,667,555, G>T. VCF-style: chr3-4667555-G-T. GRCh37 (hg19) VCF-style: chr3-4709239-G-T.
Other names: c.1886+6G>T (NM_001099952.4); c.1841+6G>T (NM_001168272.2, NM_002222.7).
Identifiers: ClinVar variation 3704530 (VCV003704530.2).
Genomic context (GRCh38, chr3:4,667,555, plus strand): 5'-CCGCGGCAGAGATTGACACATTTGTCAGCCTGGTGCGAAAGAACAGGGAGCCCAGGTGAG[G>T]CGGGAGTGGGGTCCATGCAGGATGGTGTCTCTGCCTGTAAGATGCAGGGACTTAGCTGGT-3'